The following is an entry in ClinVar:

NM_018668.5(VPS33B):c.584G>T (p.Gly195Val)

Gene: VPS33B (VPS33B late endosome and lysosome associated; minus strand). Cytogenetic location: 15q26.1.
Variant type: single nucleotide variant.
Coding change: c.584G>T on transcript NM_018668.5 (MANE Select); coding-DNA position 584, G replaced by T.
Protein change: p.Gly195Val; replaces glycine 195 with valine.
Molecular consequence: missense variant.
Genome position (GRCh38, 1-based): chr15:91,007,488, C>A on the plus strand (G>T on the coding strand, the complement: VPS33B is on the minus strand). VCF-style: chr15-91007488-C-A. GRCh37 (hg19) VCF-style: chr15-91550718-C-A.
Other names: c.503G>T, p.Gly168Val (NM_001289148.1); c.311G>T, p.Gly104Val (NM_001289149.1); short protein forms G168V, G104V, G195V.
Identifiers: ClinVar variation 4983134 (VCV004983134.1).

ClinVar aggregate classification (germline): Uncertain significance (1 of 4 stars; one submission).

Conditions:
VPS33B-related disorder. Also called: VPS33B-related condition.

gnomAD v4.1: 1 of 1,614,206 alleles (0.000062%); highest among the groups gnomAD compares: Non-Finnish European, 0.000085%; no homozygotes.

Submission:

PreventionGenetics, part of Exact Sciences
Classification: Uncertain significance for VPS33B-related condition. Last evaluated: 2025-08-17. Review status: criteria provided, single submitter. Criteria: ACMG Guidelines, 2015. Collection method: clinical testing. Allele origin: germline.
Comment: The VPS33B c.584G>T variant is predicted to result in the amino acid substitution p.Gly195Val. To our knowledge, this variant has not been reported in the literature or in a large population database (gnomAD), indicating this variant is rare. At this time, the clinical significance of this variant is uncertain due to the absence of conclusive functional and genetic evidence.